The following is an entry in ClinVar:

ClinVar aggregate classification (germline): Uncertain significance (1 of 4 stars; one submission).

Submission:

CeGaT Center for Human Genetics Tuebingen
Classification: Uncertain significance. Last evaluated: 2026-01-01. Review status: criteria provided, single submitter. Criteria: CeGaT Center For Human Genetics Tuebingen Variant Classification Criteria Version 2. Collection method: clinical testing. Allele origin: germline. Affected: yes. Observed: 1 variant allele.
Comment: ARSL: PM2, PP3

NM_000047.3(ARSL):c.23+691T>G

Gene: ARSL (arylsulfatase L; minus strand). Cytogenetic location: Xp22.33.
Variant type: single nucleotide variant.
Coding change: c.23+691T>G on transcript NM_000047.3 (MANE Select); 691 bases into the intron after coding-DNA position 23, T replaced by G.
Molecular consequence: intron variant. On other transcripts: missense variant (2).
Genome position (GRCh38, 1-based): chrX:2,959,687, A>C on the plus strand (T>G on the coding strand, the complement: ARSL is on the minus strand). VCF-style: chrX-2959687-A-C. GRCh37 (hg19) VCF-style: chrX-2877728-A-C.
Other names: c.14T>G, p.Ile5Ser (NM_001282628.2, NM_001369080.1); c.23+691T>G (NM_001282631.2, NM_001440750.1, NM_001440751.1); c.50+691T>G (NM_001369079.1); short protein forms I5S.
Identifiers: ClinVar variation 4823174 (VCV004823174.4).
Genomic context (GRCh38, chrX:2,959,687, plus strand): 5'-ATTCCTTCTGAGGCTGCCTGGGGCAACATCAAATCAAGGGAGCCTGGAGCACATCTATTA[A>C]TCACGGGTCTCATGCTTCATTCTCCAGATGCAGGATAAATCACTATCAGTGCATTCTGAG-3'